The following is an entry in ClinVar:

NM_173689.7(CRB2):c.3493C>G (p.Leu1165Val)

Gene: CRB2 (crumbs cell polarity complex component 2; plus strand). Cytogenetic location: 9q33.3.
Variant type: single nucleotide variant.
Coding change: c.3493C>G on transcript NM_173689.7 (MANE Select); coding-DNA position 3493, C replaced by G.
Protein change: p.Leu1165Val; replaces leucine 1165 with valine.
Molecular consequence: missense variant. On other transcripts: non-coding transcript variant (1).
Genome position (GRCh38, 1-based): chr9:123,374,682, C>G. VCF-style: chr9-123374682-C-G. GRCh37 (hg19) VCF-style: chr9-126136961-C-G.
Other names: c.3493C>G (NM_173689.5); short protein forms L1165V.
Identifiers: ClinVar variation 2182301 (VCV002182301.6), dbSNP rs1246077168, ClinGen allele CA374869193.

ClinVar aggregate classification (germline): Uncertain significance. Review status: criteria provided, multiple submitters, no conflicts (2 of 4 stars). 3 submissions from 3 submitters: Uncertain significance (3). Last evaluated 2024-12-31.

Conditions:
Inborn genetic diseases. Identifiers: MedGen C0950123, MeSH D030342.

Allele frequency attached by ClinVar (database versions not stated): TOPMed 0.00001; gnomAD 0.00002.
gnomAD v4.1: 19 of 1,609,886 alleles (0.0012%); highest among the groups gnomAD compares: Non-Finnish European, 0.0016%; no homozygotes.

Submissions (3):

Women's Health and Genetics/Laboratory Corporation of America, LabCorp
Classification: Uncertain significance. Last evaluated: 2024-12-31. Review status: criteria provided, single submitter. Criteria: LabCorp Variant Classification Summary - May 2015. Collection method: clinical testing. Allele origin: germline.
Comment: Variant summary: CRB2 c.3493C>G (p.Leu1165Val) results in a conservative amino acid change located in the EGF-like domain (IPR000742) of the encoded protein sequence. Four of five in-silico tools predict a benign effect of the variant on protein function. The variant allele was found at a frequency of 4e-06 in 247420 control chromosomes. The available data on variant occurrences in the general population are insufficient to allow any conclusion about variant significance. To our knowledge, no occurrence of c.3493C>G in individuals affected with Focal Segmental Glomerulosclerosis 9 and no experimental evidence demonstrating its impact on protein function have been reported. ClinVar contains an entry for this variant (Variation ID: 2182301). Based on the evidence outlined above, the variant was classified as uncertain significance.

Labcorp Genetics (formerly Invitae), Labcorp
Classification: Uncertain significance. Last evaluated: 2022-06-23. Review status: criteria provided, single submitter. Criteria: Invitae Variant Classification Sherloc (09022015). Collection method: clinical testing. Allele origin: germline.
Comment: In summary, the available evidence is currently insufficient to determine the role of this variant in disease. Therefore, it has been classified as a Variant of Uncertain Significance. Advanced modeling of protein sequence and biophysical properties (such as structural, functional, and spatial information, amino acid conservation, physicochemical variation, residue mobility, and thermodynamic stability) performed at Invitae indicates that this missense variant is not expected to disrupt CRB2 protein function. This variant has not been reported in the literature in individuals affected with CRB2-related conditions. This variant is present in population databases (no rsID available, gnomAD 0.002%). This sequence change replaces leucine, which is neutral and non-polar, with valine, which is neutral and non-polar, at codon 1165 of the CRB2 protein (p.Leu1165Val).

Ambry Genetics
Classification: Uncertain significance for Inborn genetic diseases. Last evaluated: 2022-05-27. Review status: criteria provided, single submitter. Criteria: Ambry Variant Classification Scheme 2023. Collection method: clinical testing. Allele origin: germline.